The following is an entry in ClinVar:

NM_000038.6(APC):c.1277del (p.Ala426fs)

Gene: APC (APC regulator of Wnt signaling pathway; plus strand). Cytogenetic location: 5q22.2.
Variant type: Deletion.
Coding change: c.1277del on transcript NM_000038.6 (MANE Select); coding-DNA position 1277, one base deleted (C; older notation c.1277delC).
Protein change: p.Ala426fs; shifts the reading frame from alanine 426.
Molecular consequence: frameshift variant. On other transcripts: non-coding transcript variant (2).
Genome position (GRCh38, 1-based): chr5:112,819,309, C deleted. VCF-style (leftmost placement, unchanged base first): chr5-112819308-GC-G. GRCh37 (hg19) VCF-style: chr5-112155005-GC-G.
Other names: c.1277del, p.Ala426fs (NM_001127510.3, NM_001354895.2, NM_001354896.2 and 4 more transcripts); c.1223del, p.Ala408fs (NM_001127511.3); c.1307del, p.Ala436fs (NM_001354897.2, NM_001407446.1); c.1202del, p.Ala401fs (NM_001354898.2, NM_001407451.1); c.1193del, p.Ala398fs (NM_001354899.2, NM_001407452.1); c.1100del, p.Ala367fs (NM_001354900.2, NM_001354901.2, NM_001407453.1); c.1004del, p.Ala335fs (NM_001354902.2); c.974del, p.Ala325fs (NM_001354903.2, NM_001407454.1, NM_001407455.1 and 5 more transcripts); and 5 more; short protein forms A143fs, A266fs, A297fs, A300fs, A325fs, A335fs, A367fs, A398fs.
Identifiers: ClinVar variation 2583191 (VCV002583191.2), dbSNP rs2533058328, ClinGen allele CA2582341276.
Genomic context (GRCh38, chr5:112,819,308, plus strand): 5'-GTCCTTCATCTTTTGGAACAGATACGCGCTTACTGTGAAACCTGTTGGGAGTGGCAGGAA[GC>G]TCATGAACCAGGCATGGACCAGGACAAAAATCCAAGTATGTTCTCTATAGTGTACATCGT-3'

ClinVar aggregate classification (germline): Pathogenic (1 of 4 stars; one submission).

Conditions:
Familial adenomatous polyposis 1 (FAP1). Also called: POLYPOSIS, ADENOMATOUS INTESTINAL; FAMILIAL ADENOMATOUS POLYPOSIS 1, ATTENUATED. Identifiers: MedGen C2713442, MONDO:0021056, OMIM 175100. Disease mechanism: loss of function.

Submission:

Myriad Genetics, Inc.
Classification: Pathogenic for Familial adenomatous polyposis 1. Last evaluated: 2023-05-01. Review status: criteria provided, single submitter. Criteria: Myriad Autosomal Dominant, Autosomal Recessive and X-Linked Classification Criteria (2023). Collection method: clinical testing. Allele origin: unknown.
Comment: This variant is considered pathogenic. This variant creates a frameshift predicted to result in premature protein truncation.